The following is an entry in ClinVar:

NM_005475.3(SH2B3):c.119A>G (p.Glu40Gly)

Gene: SH2B3 (SH2B adaptor protein 3; plus strand). Cytogenetic location: 12q24.12.
Variant type: single nucleotide variant.
Coding change: c.119A>G on transcript NM_005475.3 (MANE Select); coding-DNA position 119, A replaced by G.
Protein change: p.Glu40Gly; replaces glutamic acid 40 with glycine.
Molecular consequence: missense variant.
Genome position (GRCh38, 1-based): chr12:111,418,264, A>G. VCF-style: chr12-111418264-A-G. GRCh37 (hg19) VCF-style: chr12-111856068-A-G.
Other names: short protein forms E40G.
Identifiers: ClinVar variation 4163932 (VCV004163932.1).

ClinVar aggregate classification (germline): Uncertain significance (1 of 4 stars; one submission).

Conditions:
Inborn genetic diseases. Identifiers: MedGen C0950123, MeSH D030342.

gnomAD v4.1: 2 of 1,531,312 alleles (0.00013%); highest among the groups gnomAD compares: Non-Finnish European, 0.00017%; no homozygotes.

Submission:

Ambry Genetics
Classification: Uncertain significance for Inborn genetic diseases. Last evaluated: 2025-07-05. Review status: criteria provided, single submitter. Criteria: Ambry Variant Classification Scheme 2023. Collection method: clinical testing. Allele origin: germline.
Comment: The p.E40G variant (also known as c.119A>G), located in coding exon 1 of the SH2B3 gene, results from an A to G substitution at nucleotide position 119. The glutamic acid at codon 40 is replaced by glycine, an amino acid with similar properties. This amino acid position is conserved. In addition, this alteration is predicted to be tolerated by in silico analysis. Based on the available evidence, the clinical significance of this variant remains unclear.